The following is an entry in ClinVar:

ClinVar aggregate classification (germline): Uncertain significance (1 of 4 stars; one submission).

Submission:

GeneDx
Classification: Uncertain significance. Last evaluated: 2023-06-27. Review status: criteria provided, single submitter. Criteria: GeneDx Variant Classification Process June 2021. Collection method: clinical testing. Allele origin: germline. Affected: yes.
Comment: Not observed in large population cohorts (gnomAD); In silico analysis supports that this missense variant has a deleterious effect on protein structure/function; In-silico analysis is inconclusive as to whether the variant alters gene splicing. In the absence of RNA/functional studies, the actual effect of this sequence change is unknown; Has not been previously published as pathogenic or benign to our knowledge

NM_001143981.2(CHRDL1):c.200_201delinsTT (p.Cys67Phe)

Gene: CHRDL1 (chordin like 1; minus strand). Cytogenetic location: Xq23.
Variant type: Indel.
Coding change: c.200_201delinsTT on transcript NM_001143981.2 (MANE Select); coding-DNA positions 200 to 201, GC replaced by TT.
Protein change: p.Cys67Phe; replaces cysteine 67 with phenylalanine.
Molecular consequence: missense variant. On other transcripts: non-coding transcript variant (1).
Genome position (GRCh38, 1-based): chrX:110,762,701-110,762,702, GC replaced by AA on the plus strand (GC replaced by TT on the coding strand, the reverse complement: CHRDL1 is on the minus strand). VCF-style: chrX-110762701-GC-AA. GRCh37 (hg19) VCF-style: chrX-110005929-GC-AA.
Other names: c.200_201delinsTT, p.Cys67Phe (NM_001143982.2, NM_001143983.3, NM_001367204.1 and 6 more transcripts); short protein forms C67F.
Identifiers: ClinVar variation 1309491 (VCV001309491.3), dbSNP rs2148509608, ClinGen allele CA2573055067.